The following is an entry in ClinVar:

NM_001164508.2(NEB):c.5987C>A (p.Ala1996Glu)

Gene: NEB (nebulin; minus strand). Cytogenetic location: 2q23.3.
Variant type: single nucleotide variant.
Coding change: c.5987C>A on transcript NM_001164508.2 (MANE Select); coding-DNA position 5987, C replaced by A.
Protein change: p.Ala1996Glu; replaces alanine 1996 with glutamic acid.
Molecular consequence: missense variant.
Genome position (GRCh38, 1-based): chr2:151,659,153, G>T on the plus strand (C>A on the coding strand, the complement: NEB is on the minus strand). VCF-style: chr2-151659153-G-T. GRCh37 (hg19) VCF-style: chr2-152515667-G-T.
Other names: c.5987C>A, p.Ala1996Glu (NM_001164507.2, NM_001271208.2, NM_004543.5); short protein forms A1996E.
Identifiers: ClinVar variation 1930452 (VCV001930452.2), dbSNP rs2552254261, ClinGen allele CA348803435.

ClinVar aggregate classification (germline): Uncertain significance (1 of 4 stars; one submission).

Conditions:
Nemaline myopathy 2 (NEM2). Also called: Nemaline myopathy 2, autosomal recessive. Identifiers: MedGen C1850569, MONDO:0009725, OMIM 256030.

gnomAD v4.1: 5 of 1,611,600 alleles (0.00031%); highest among the groups gnomAD compares: South Asian, 0.0055%; no homozygotes.

Submission:

Labcorp Genetics (formerly Invitae), Labcorp
Classification: Uncertain significance for Nemaline myopathy 2. Last evaluated: 2021-02-15. Review status: criteria provided, single submitter. Criteria: Invitae Variant Classification Sherloc (09022015). Collection method: clinical testing. Allele origin: germline.
Comment: This sequence change replaces alanine with glutamic acid at codon 1996 of the NEB protein (p.Ala1996Glu). The alanine residue is moderately conserved and there is a moderate physicochemical difference between alanine and glutamic acid. This variant is not present in population databases (ExAC no frequency). This variant has not been reported in the literature in individuals with NEB-related conditions. Algorithms developed to predict the effect of missense changes on protein structure and function are either unavailable or do not agree on the potential impact of this missense change (SIFT: "Deleterious"; PolyPhen-2: "Not Available"; Align-GVGD: "Class C0"). In summary, the available evidence is currently insufficient to determine the role of this variant in disease. Therefore, it has been classified as a Variant of Uncertain Significance.